The following is an entry in ClinVar:

NM_004360.5(CDH1):c.1138-1G>A

Gene: CDH1 (cadherin 1; plus strand). Cytogenetic location: 16q22.1.
Variant type: single nucleotide variant.
Coding change: c.1138-1G>A on transcript NM_004360.5 (MANE Select); the canonical splice acceptor site of the intron before coding-DNA position 1138, G replaced by A.
Molecular consequence: splice acceptor variant. On other transcripts: intron variant (1).
Genome position (GRCh38, 1-based): chr16:68,813,312, G>A. VCF-style: chr16-68813312-G-A. GRCh37 (hg19) VCF-style: chr16-68847215-G-A.
Other names: c.-478-1G>A (NM_001317185.2); c.-682-1G>A (NM_001317186.2); c.1137+1049G>A (NM_001317184.2).
Identifiers: ClinVar variation 3662085 (VCV003662085.2).
Genomic context (GRCh38, chr16:68,813,312, plus strand): 5'-GAGACTCAGCTCTGCTAGCAGTCTTGGTACTTTGTAAATGACACATCTCTTTGCTCTGCA[G>A]TACAAGGGTCAGGTGCCTGAGAACGAGGCTAACGTCGTAATCACCACACTGAAAGTGACT-3'

ClinVar aggregate classification (germline): Likely pathogenic (1 of 4 stars; one submission).

Conditions:
Hereditary diffuse gastric adenocarcinoma (HDGC). Also called: DIFFUSE GASTRIC AND LOBULAR BREAST CANCER SYNDROME. Identifiers: Orphanet 26106, MedGen C1708349, MONDO:0007648, OMIM 137215.

Submission:

Labcorp Genetics (formerly Invitae), Labcorp
Classification: Likely pathogenic for Hereditary diffuse gastric adenocarcinoma. Last evaluated: 2024-11-12. Review status: criteria provided, single submitter. Criteria: Invitae Variant Classification Sherloc (09022015). Collection method: clinical testing. Allele origin: germline.
Comment: This sequence change affects an acceptor splice site in intron 8 of the CDH1 gene. It is expected to disrupt RNA splicing. Variants that disrupt the donor or acceptor splice site typically lead to a loss of protein function (PMID: 16199547), and loss-of-function variants in CDH1 are known to be pathogenic (PMID: 15235021, 20373070). This variant is not present in population databases (gnomAD no frequency). This variant has not been reported in the literature in individuals affected with CDH1-related conditions. Algorithms developed to predict the effect of sequence changes on RNA splicing suggest that this variant may disrupt the consensus splice site. In summary, the currently available evidence indicates that the variant is pathogenic, but additional data are needed to prove that conclusively. Therefore, this variant has been classified as Likely Pathogenic.

Literature cited by the submitters: PubMed 16199547; PubMed 15235021; PubMed 20373070.